The following is an entry in ClinVar:

NM_005465.7(AKT3):c.384A>G (p.Ile128Met)

Gene: AKT3 (AKT serine/threonine kinase 3; minus strand). Cytogenetic location: 1q44.
Variant type: single nucleotide variant.
Coding change: c.384A>G on transcript NM_005465.7 (MANE Select); coding-DNA position 384, A replaced by G.
Protein change: p.Ile128Met; replaces isoleucine 128 with methionine.
Molecular consequence: missense variant.
Genome position (GRCh38, 1-based): chr1:243,645,938, T>C on the plus strand (A>G on the coding strand, the complement: AKT3 is on the minus strand). VCF-style: chr1-243645938-T-C. GRCh37 (hg19) VCF-style: chr1-243809240-T-C.
Other names: c.384A>G, p.Ile128Met (NM_001206729.2, NM_001370074.1, NM_181690.2); short protein forms I128M.
Identifiers: ClinVar variation 430499 (VCV000430499.6), dbSNP rs374658863, ClinGen allele CA41034424.
Genomic context (GRCh38, chr1:243,645,938, plus strand): 5'-GTTATTATTTTCTACCTTTCTTTTATGATGGGTTGTAGAGGCATCCATCTCTTCCTCTCC[T>C]ATATTATCAATTTGTGAAGTTGGACTACAATTCATTCTCTCCTCTTCTTGCCTCTGCAGT-3'
Protein context (NP_005456.1, residues 118-138): NCSPTSQIDN[Ile128Met]GEEEMDASTT

ClinVar aggregate classification (germline): Uncertain significance. Review status: criteria provided, multiple submitters, no conflicts (2 of 4 stars). 2 submissions from 2 submitters: Uncertain significance (2). Last evaluated 2022-05-11.

Conditions:
Inborn genetic diseases. Identifiers: MedGen C0950123, MeSH D030342.

Allele frequency attached by ClinVar (database versions not stated): gnomAD exomes below 0.00001 and 0.00002; TOPMed 0.00001; gnomAD 0.00002 and 0.00003; ESP Exome Variant Server 0.00008; 1000 Genomes Project 0.00020; 1000 Genomes Project 30x 0.00031.
gnomAD v4.1: 36 of 1,612,716 alleles (0.0022%); highest among the groups gnomAD compares: Non-Finnish European, 0.003%; no homozygotes.

Submissions (2):

Ambry Genetics
Classification: Uncertain significance for Inborn genetic diseases. Last evaluated: 2022-05-11. Review status: criteria provided, single submitter. Criteria: Ambry Variant Classification Scheme 2023. Collection method: clinical testing. Allele origin: germline.

GeneDx
Classification: Uncertain significance. Last evaluated: 2021-06-11. Review status: criteria provided, single submitter. Criteria: GeneDx Variant Classification Process June 2021. Collection method: clinical testing. Allele origin: germline. Affected: yes.
Comment: Has not been previously published as pathogenic or benign to our knowledge; This variant is associated with the following publications: (PMID: 27535533, 22729224)